The following is an entry in ClinVar:

NM_052876.4(NACC1):c.1411G>A (p.Val471Met)

Gene: NACC1 (nucleus accumbens associated 1; plus strand). Cytogenetic location: 19p13.13.
Variant type: single nucleotide variant.
Coding change: c.1411G>A on transcript NM_052876.4 (MANE Select); coding-DNA position 1411, G replaced by A.
Protein change: p.Val471Met; replaces valine 471 with methionine.
Molecular consequence: missense variant.
Genome position (GRCh38, 1-based): chr19:13,138,233, G>A. VCF-style: chr19-13138233-G-A. GRCh37 (hg19) VCF-style: chr19-13249047-G-A.
Other names: short protein forms V471M.
Identifiers: ClinVar variation 2112383 (VCV002112383.4), dbSNP rs1171649971, ClinGen allele CA404330045.

ClinVar aggregate classification (germline): Uncertain significance (1 of 4 stars; one submission).

Allele frequency attached by ClinVar (database versions not stated): gnomAD exomes below 0.00001.

Submission:

Labcorp Genetics (formerly Invitae), Labcorp
Classification: Uncertain significance. Last evaluated: 2026-01-12. Review status: criteria provided, single submitter. Criteria: Invitae Variant Classification Sherloc (09022015). Collection method: clinical testing. Allele origin: germline.
Comment: This sequence change replaces valine, which is neutral and non-polar, with methionine, which is neutral and non-polar, at codon 471 of the NACC1 protein (p.Val471Met). This variant is present in population databases (no rsID available, gnomAD 0.006%). This variant has not been reported in the literature in individuals affected with NACC1-related conditions. ClinVar contains an entry for this variant (Variation ID: 2112383). Invitae Evidence Modeling of protein sequence and biophysical properties (such as structural, functional, and spatial information, amino acid conservation, physicochemical variation, residue mobility, and thermodynamic stability) indicates that this missense variant is not expected to disrupt NACC1 protein function with a negative predictive value of 80%. In summary, the available evidence is currently insufficient to determine the role of this variant in disease. Therefore, it has been classified as a Variant of Uncertain Significance.